The following is an entry in ClinVar:

NM_030665.4(RAI1):c.836_837insACA (p.Gln291dup)

Gene: RAI1 (retinoic acid induced 1; plus strand). Cytogenetic location: 17p11.2.
Variant type: Insertion.
Coding change: c.836_837insACA on transcript NM_030665.4 (MANE Select); coding-DNA positions 836 to 837, ACA inserted.
Protein change: p.Gln291dup; duplicates glutamine 291.
Molecular consequence: inframe insertion.
Genome position: GRCh38 VCF-style: chr17-17793782-G-GCAA. GRCh37 (hg19) VCF-style: chr17-17697096-G-GCAA.
Other names: c.836_837insACA (NM_030665.3).
Identifiers: ClinVar variation 1593726 (VCV001593726.15), dbSNP rs571229335, ClinGen allele CA8418208.

ClinVar aggregate classification (germline): Benign. Review status: criteria provided, multiple submitters, no conflicts (2 of 4 stars). 3 submissions from 3 submitters: Benign (2). 1 of the submissions does not count toward it. Last evaluated 2026-02-01.

Conditions:
RAI1-related disorder. Also called: RAI1-related condition.

Submissions (3):

CeGaT Center for Human Genetics Tuebingen
Classification: Benign. Last evaluated: 2026-02-01. Review status: criteria provided, single submitter. Criteria: CeGaT Center For Human Genetics Tuebingen Variant Classification Criteria Version 2. Collection method: clinical testing. Allele origin: germline. Affected: yes. Observed: 2 variant alleles.
Comment: RAI1: BS1, BS2

Labcorp Genetics (formerly Invitae), Labcorp
Classification: Benign. Last evaluated: 2025-11-28. Review status: criteria provided, single submitter. Criteria: Invitae Variant Classification Sherloc (09022015). Collection method: clinical testing. Allele origin: germline.

PreventionGenetics, part of Exact Sciences
Classification: Likely benign for RAI1-related condition. Last evaluated: 2020-12-30. Review status: no assertion criteria provided. Collection method: clinical testing. Allele origin: germline. Not counted in ClinVar's aggregate classification.
Comment: This variant is classified as likely benign based on ACMG/AMP sequence variant interpretation guidelines (Richards et al. 2015 PMID: 25741868, with internal and published modifications).